The following is an entry in ClinVar:

ClinVar aggregate classification (germline): Uncertain significance (1 of 4 stars; one submission).

Conditions:
Long QT syndrome (LQTS). Identifiers: MedGen C0023976, MeSH D008133, MONDO:0002442. Disease mechanism: loss of function. Inheritance: Various modes of inheritance.

Submission:

Labcorp Genetics (formerly Invitae), Labcorp
Classification: Uncertain significance for Long QT syndrome. Last evaluated: 2023-12-01. Review status: criteria provided, single submitter. Criteria: Invitae Variant Classification Sherloc (09022015). Collection method: clinical testing. Allele origin: unknown.
Comment: A gross deletion of the genomic region encompassing the full coding sequence of the SNTA1 gene has been identified. The current clinical and genetic evidence is not sufficient to establish whether loss-of-function variants in SNTA1 cause disease. The boundaries of this event are unknown as they extend beyond the assayed region for this gene and therefore may encompass additional genes. This variant has not been reported in the literature in individuals affected with SNTA1-related conditions. In summary, the available evidence is currently insufficient to determine the role of this variant in disease. Therefore, it has been classified as a Variant of Uncertain Significance.

NC_000020.10:g.(?_31996313)_(32031426_?)del

Gene: SNTA1 (syntrophin alpha 1; minus strand). Cytogenetic location: 20q11.21.
Variant type: Deletion.
Identifiers: ClinVar variation 3248225 (VCV003248225.1).